The following is an entry in ClinVar:

ClinVar aggregate classification (germline): Uncertain significance (1 of 4 stars; one submission).

Submission:

CeGaT Center for Human Genetics Tuebingen
Classification: Uncertain significance. Last evaluated: 2026-04-01. Review status: criteria provided, single submitter. Criteria: CeGaT Center For Human Genetics Tuebingen Variant Classification Criteria Version 2. Collection method: clinical testing. Allele origin: germline. Affected: yes. Observed: 1 variant allele.
Comment: HOXA13: PM2

NM_000522.5(HOXA13):c.337C>T (p.Pro113Ser)

Genes: HOXA13 (homeobox A13; minus strand), LOC107126288 (NUP98-HOXA13 recombination region; plus strand). Cytogenetic location: 7p15.2.
Variant type: single nucleotide variant.
Coding change: c.337C>T on transcript NM_000522.5 (MANE Select); coding-DNA position 337, C replaced by T.
Protein change: p.Pro113Ser; replaces proline 113 with serine.
Molecular consequence: missense variant.
Genome position (GRCh38, 1-based): chr7:27,199,741, G>A on the plus strand (C>T on the coding strand, the complement: HOXA13 is on the minus strand). VCF-style: chr7-27199741-G-A. GRCh37 (hg19) VCF-style: chr7-27239360-G-A.
Other names: short protein forms P113S.
Identifiers: ClinVar variation 4873238 (VCV004873238.2).